The following is an entry in ClinVar:

NM_002234.4(KCNA5):c.217C>T (p.Pro73Ser)

Gene: KCNA5 (potassium voltage-gated channel subfamily A member 5; plus strand). Cytogenetic location: 12p13.32.
Variant type: single nucleotide variant.
Coding change: c.217C>T on transcript NM_002234.4 (MANE Select); coding-DNA position 217, C replaced by T.
Protein change: p.Pro73Ser; replaces proline 73 with serine.
Molecular consequence: missense variant.
Genome position (GRCh38, 1-based): chr12:5,044,364, C>T. VCF-style: chr12-5044364-C-T. GRCh37 (hg19) VCF-style: chr12-5153530-C-T.
Other names: short protein forms P73S.
Identifiers: ClinVar variation 1987471 (VCV001987471.4), dbSNP rs71541953, ClinGen allele CA231866955.
Genomic context (GRCh38, chr12:5,044,364, plus strand): 5'-GGGCGCGGCGCGCAGAGAGACGCGGACTCGGGAGTGCGGCCCTTGCCTCCGCTGCCGGAC[C>T]CGGGAGTGCGGCCCTTGCCTCCGCTGCCAGAGGAGCTGCCACGGCCTCGACGGCCGCCTC-3'
Protein context (NP_002225.2, residues 63-83): GVRPLPPLPD[Pro73Ser]GVRPLPPLPE

ClinVar aggregate classification (germline): Uncertain significance (1 of 4 stars; one submission).

Conditions:
Atrial fibrillation, familial, 7 (ATFB7). Identifiers: MedGen C2677106, MONDO:0012828, OMIM 612240.

Submission:

Labcorp Genetics (formerly Invitae), Labcorp
Classification: Uncertain significance for Atrial fibrillation, familial, 7. Last evaluated: 2021-12-02. Review status: criteria provided, single submitter. Criteria: Invitae Variant Classification Sherloc (09022015). Collection method: clinical testing. Allele origin: germline.
Comment: This sequence change replaces proline, which is neutral and non-polar, with serine, which is neutral and polar, at codon 73 of the KCNA5 protein (p.Pro73Ser). This variant is not present in population databases (gnomAD no frequency). This variant has not been reported in the literature in individuals affected with KCNA5-related conditions. Algorithms developed to predict the effect of missense changes on protein structure and function are either unavailable or do not agree on the potential impact of this missense change (SIFT: "Deleterious"; PolyPhen-2: "Benign"; Align-GVGD: "Class C0"). In summary, the available evidence is currently insufficient to determine the role of this variant in disease. Therefore, it has been classified as a Variant of Uncertain Significance.